The following is an entry in ClinVar:

NM_000051.4(ATM):c.2188T>G (p.Cys730Gly)

Gene: ATM (ATM serine/threonine kinase; plus strand). Cytogenetic location: 11q22.3.
Variant type: single nucleotide variant.
Coding change: c.2188T>G on transcript NM_000051.4 (MANE Select); coding-DNA position 2188, T replaced by G.
Protein change: p.Cys730Gly; replaces cysteine 730 with glycine.
Molecular consequence: missense variant.
Genome position (GRCh38, 1-based): chr11:108,256,278, T>G. VCF-style: chr11-108256278-T-G. GRCh37 (hg19) VCF-style: chr11-108127005-T-G.
Other names: c.2188T>G, p.Cys730Gly (NM_001351834.2); short protein forms C730G.
Identifiers: ClinVar variation 481077 (VCV000481077.5), dbSNP rs1555074947, ClinGen allele CA382538880.

ClinVar aggregate classification (germline): Uncertain significance (1 of 4 stars; one submission).

Conditions:
Hereditary cancer-predisposing syndrome. Also called: Hereditary Cancer Syndrome; Neoplastic Syndromes, Hereditary; Tumor predisposition; Hereditary neoplastic syndrome. Identifiers: Orphanet 140162, MedGen C0027672, MeSH D009386, MONDO:0015356.

Submission:

Ambry Genetics
Classification: Uncertain significance for Hereditary cancer-predisposing syndrome. Last evaluated: 2016-08-19. Review status: criteria provided, single submitter. Criteria: Ambry Variant Classification Scheme 2023. Collection method: clinical testing. Allele origin: germline.
Comment: The p.C730G variant (also known as c.2188T>G), located in coding exon 13 of the ATM gene, results from a T to G substitution at nucleotide position 2188. The cysteine at codon 730 is replaced by glycine, an amino acid with highly dissimilar properties. This variant was not reported in population based cohorts in the following databases: Database of Single Nucleotide Polymorphisms (dbSNP), NHLBI Exome Sequencing Project (ESP), and 1000 Genomes Project. In the ESP, this variant was not observed in 6499 samples (12998 alleles) with coverage at this position. To date, this alteration has been detected with an allele frequency of approximately 0.0005% (greater than 180000 alleles tested) in our clinical cohort. This amino acid position is well conserved in available vertebrate species. In addition, this alteration is predicted to be benign and deleterious by PolyPhen and SIFT in silico analyses, respectively. Since supporting evidence is limited at this time, the clinical significance of this alteration remains unclear.